The following is an entry in ClinVar:

ClinVar aggregate classification (germline): Uncertain significance (1 of 4 stars; one submission).

gnomAD v4.1: 4 of 1,574,500 alleles (0.00025%); highest among the groups gnomAD compares: Non-Finnish European, 0.00034%; no homozygotes.

Submission:

GeneDx
Classification: Uncertain significance. Last evaluated: 2022-01-17. Review status: criteria provided, single submitter. Criteria: GeneDx Variant Classification Process June 2021. Collection method: clinical testing. Allele origin: germline. Affected: yes.
Comment: Not observed at significant frequency in large population cohorts (gnomAD); In silico analysis supports that this missense variant does not alter protein structure/function; Has not been previously published as pathogenic or benign to our knowledge

NM_001540.5(HSPB1):c.163G>C (p.Val55Leu)

Gene: HSPB1 (heat shock protein family B (small) member 1; plus strand). Cytogenetic location: 7q11.23.
Variant type: single nucleotide variant.
Coding change: c.163G>C on transcript NM_001540.5 (MANE Select); coding-DNA position 163, G replaced by C.
Protein change: p.Val55Leu; replaces valine 55 with leucine.
Molecular consequence: missense variant.
Genome position (GRCh38, 1-based): chr7:76,302,875, G>C. VCF-style: chr7-76302875-G-C. GRCh37 (hg19) VCF-style: chr7-75932192-G-C.
Other names: short protein forms V55L.
Identifiers: ClinVar variation 1697127 (VCV001697127.2), dbSNP rs1803021354, ClinGen allele CA367763033.